The following is an entry in ClinVar:

ClinVar aggregate classification (germline): Likely benign (1 of 4 stars; one submission).

Submission:

CeGaT Center for Human Genetics Tuebingen
Classification: Likely benign. Last evaluated: 2024-09-01. Review status: criteria provided, single submitter. Criteria: CeGaT Center For Human Genetics Tuebingen Variant Classification Criteria Version 2. Collection method: clinical testing. Allele origin: germline. Affected: yes. Observed: 1 variant allele.
Comment: SHANK3: BP4, BP7

NM_001372044.2(SHANK3):c.4473C>A (p.Pro1491=)

Gene: SHANK3 (SH3 and multiple ankyrin repeat domains 3; plus strand). Cytogenetic location: 22q13.33.
Variant type: single nucleotide variant.
Coding change: c.4473C>A on transcript NM_001372044.2 (MANE Select); coding-DNA position 4473, C replaced by A.
Protein change: p.Pro1491=; no amino-acid change (proline 1491 retained).
Molecular consequence: synonymous variant.
Genome position (GRCh38, 1-based): chr22:50,722,081, C>A. VCF-style: chr22-50722081-C-A. GRCh37 (hg19) VCF-style: chr22-51160509-C-A.
Identifiers: ClinVar variation 3388274 (VCV003388274.14).